The following is an entry in ClinVar:

ClinVar aggregate classification (germline): Uncertain significance (1 of 4 stars; one submission).

Conditions:
SDCCAG8-related disorder. Also called: SDCCAG8-related condition; SDCCAG8-Related Disorders.

gnomAD v4.1: 5 of 1,614,188 alleles (0.00031%); highest among the groups gnomAD compares: South Asian, 0.0033%; no homozygotes.

Submission:

PreventionGenetics, part of Exact Sciences
Classification: Uncertain significance for SDCCAG8-related condition. Last evaluated: 2026-05-19. Review status: criteria provided, single submitter. Criteria: ACMG Guidelines, 2015. Collection method: clinical testing. Allele origin: germline.
Comment: The SDCCAG8 c.913A>G variant is predicted to result in the amino acid substitution p.Ile305Val. To our knowledge, this variant has not been reported in the literature. This variant is reported in 0.0033% of alleles in individuals of South Asian descent in gnomAD. At this time, the clinical significance of this variant is uncertain due to the absence of conclusive functional and genetic evidence.

NM_006642.5(SDCCAG8):c.913A>G (p.Ile305Val)

Gene: SDCCAG8 (SHH signaling and ciliogenesis regulator SDCCAG8; plus strand). Cytogenetic location: 1q43.
Variant type: single nucleotide variant.
Coding change: c.913A>G on transcript NM_006642.5 (MANE Select); coding-DNA position 913, A replaced by G.
Protein change: p.Ile305Val; replaces isoleucine 305 with valine.
Molecular consequence: missense variant.
Genome position (GRCh38, 1-based): chr1:243,308,161, A>G. VCF-style: chr1-243308161-A-G. GRCh37 (hg19) VCF-style: chr1-243471463-A-G.
Other names: c.10A>G, p.Ile4Val (NM_001350246.2, NM_001350247.2, NM_001350251.2); c.1009A>G, p.Ile337Val (NM_001350248.2); c.619A>G, p.Ile207Val (NM_001350249.2); short protein forms I207V, I337V, I4V, I305V.
Identifiers: ClinVar variation 4996123 (VCV004996123.1).